The following is an entry in ClinVar:

NM_006361.6(HOXB13):c.506dup (p.Tyr169Ter)

Gene: HOXB13 (homeobox B13; minus strand). Cytogenetic location: 17q21.32.
Variant type: Duplication.
Coding change: c.506dup on transcript NM_006361.6 (MANE Select); coding-DNA position 506, one base duplicated (A; older notation c.506dupA).
Protein change: p.Tyr169Ter; replaces tyrosine 169 with a stop codon.
Molecular consequence: nonsense. On other transcripts: frameshift variant (1).
Genome position (GRCh38, 1-based): chr17:48,728,088, T duplicated on the plus strand (A on the coding strand, the reverse complement: HOXB13 is on the minus strand). VCF-style (leftmost placement, unchanged base first): chr17-48728087-G-GT. GRCh37 (hg19) VCF-style: chr17-46805449-G-GT.
Other names: c.506dupA (NM_006361.5); short protein forms Y169*.
Identifiers: ClinVar variation 5022704 (VCV005022704.1).

ClinVar aggregate classification (germline): Uncertain significance (1 of 4 stars; one submission).

Conditions:
Hereditary cancer-predisposing syndrome. Also called: Neoplastic Syndromes, Hereditary; Tumor predisposition; Hereditary neoplastic syndrome; Hereditary Cancer Syndrome. Identifiers: Orphanet 140162, MedGen C0027672, MeSH D009386, MONDO:0015356.

Submission:

Ambry Genetics
Classification: Uncertain significance for Hereditary cancer-predisposing syndrome. Last evaluated: 2026-07-29. Review status: criteria provided, single submitter. Criteria: Ambry Variant Classification Scheme 2023. Collection method: clinical testing. Allele origin: germline.
Comment: The c.506dupA variant, located in coding exon 1 of the HOXB13 gene, results from a duplication of A at nucleotide position 506, causing a translational frameshift with a predicted alternate stop codon (p.Y169*). This alteration is expected to result in loss of function by premature protein truncation or nonsense-mediated mRNA decay. However, loss of function has not been established as a mechanism of disease. Based on the available evidence, the clinical significance of this variant remains unclear.